The following is an entry in ClinVar:

ClinVar aggregate classification (germline): Uncertain significance. Review status: criteria provided, multiple submitters, no conflicts (2 of 4 stars). 3 submissions from 3 submitters: Uncertain significance (2). 1 of the submissions does not count toward it. Last evaluated 2023-09-01.

Conditions:
Alstrom syndrome (ALMS). Identifiers: Orphanet 64, MedGen C0268425, MONDO:0008763, OMIM 203800.
ALMS1-related disorder. Also called: ALMS1-related condition.

Submissions (3):

PreventionGenetics, part of Exact Sciences
Classification: Uncertain significance for ALMS1-related condition. Last evaluated: 2023-09-01. Review status: criteria provided, single submitter. Criteria: ACMG Guidelines, 2015. Collection method: clinical testing. Allele origin: germline.
Comment: The ALMS1 c.10829A>G variant is predicted to result in the amino acid substitution p.Gln3610Arg. To our knowledge, this variant has not been reported in the literature. This variant is reported in 0.039% of alleles in individuals of South Asian descent in gnomAD. At this time, the clinical significance of this variant is uncertain due to the absence of conclusive functional and genetic evidence.

Revvity Omics, Revvity
Classification: Uncertain significance for Alstrom syndrome. Last evaluated: 2022-03-22. Review status: criteria provided, single submitter. Criteria: ACMG Guidelines, 2015. Collection method: clinical testing. Allele origin: germline.

Natera, Inc.
Classification: Uncertain significance for Alstrom syndrome. Last evaluated: 2025-01-27. Review status: no assertion criteria provided. Collection method: clinical testing. Allele origin: germline. Not counted in ClinVar's aggregate classification.

NM_001378454.1(ALMS1):c.10826A>G (p.Gln3609Arg)

Gene: ALMS1 (ALMS1 centrosome and basal body associated protein; plus strand). Cytogenetic location: 2p13.1.
Variant type: single nucleotide variant.
Coding change: c.10826A>G on transcript NM_001378454.1 (MANE Select); coding-DNA position 10826, A replaced by G.
Protein change: p.Gln3609Arg; replaces glutamine 3609 with arginine.
Molecular consequence: missense variant.
Genome position (GRCh38, 1-based): chr2:73,572,703, A>G. VCF-style: chr2-73572703-A-G. GRCh37 (hg19) VCF-style: chr2-73799830-A-G.
Other names: c.10829A>G, p.Gln3610Arg (NM_015120.4); short protein forms Q3610R, Q3609R.
Identifiers: ClinVar variation 337032 (VCV000337032.9), dbSNP rs886056317, ClinGen allele CA10615962.